The following is an entry in ClinVar:

NM_032608.7(MYO18B):c.5725A>G (p.Lys1909Glu)

Gene: MYO18B (myosin XVIIIB; plus strand). Cytogenetic location: 22q12.1.
Variant type: single nucleotide variant.
Coding change: c.5725A>G on transcript NM_032608.7 (MANE Select); coding-DNA position 5725, A replaced by G.
Protein change: p.Lys1909Glu; replaces lysine 1909 with glutamic acid.
Molecular consequence: missense variant.
Genome position (GRCh38, 1-based): chr22:25,947,805, A>G. VCF-style: chr22-25947805-A-G. GRCh37 (hg19) VCF-style: chr22-26343771-A-G.
Other names: c.5728A>G, p.Lys1910Glu (NM_001318245.2); short protein forms K1909E, K1910E.
Identifiers: ClinVar variation 1352713 (VCV001352713.6), dbSNP rs2092732640, ClinGen allele CA411008289.
Genomic context (GRCh38, chr22:25,947,805, plus strand): 5'-AAGGCGGACCTCCTGAAGCGCATCGATGAGGACCAGGATGACCTGAATGAGCTGATGCAG[A>G]AGCACAAGGACCTCATTGCTCAGGTAGTGAATGAGACCTTGGTGGAAGAAGCTCAGGGAC-3'
Protein context (NP_115997.5, residues 1899-1919): DQDDLNELMQ[Lys1909Glu]HKDLIAQSAA

ClinVar aggregate classification (germline): Uncertain significance (1 of 4 stars; one submission).

Allele frequency attached by ClinVar (database versions not stated): gnomAD exomes below 0.00001.
gnomAD v4.1: 2 of 1,613,828 alleles (0.00012%); highest among the groups gnomAD compares: Non-Finnish European, 0.000085%; no homozygotes.

Submission:

Labcorp Genetics (formerly Invitae), Labcorp
Classification: Uncertain significance. Last evaluated: 2022-02-22. Review status: criteria provided, single submitter. Criteria: Invitae Variant Classification Sherloc (09022015). Collection method: clinical testing. Allele origin: germline.
Comment: Algorithms developed to predict the effect of missense changes on protein structure and function are either unavailable or do not agree on the potential impact of this missense change (SIFT: "Not Available"; PolyPhen-2: "Probably Damaging"; Align-GVGD: "Not Available"). This variant has not been reported in the literature in individuals affected with MYO18B-related conditions. This variant is not present in population databases (gnomAD no frequency). This sequence change replaces lysine, which is basic and polar, with glutamic acid, which is acidic and polar, at codon 1909 of the MYO18B protein (p.Lys1909Glu). In summary, the available evidence is currently insufficient to determine the role of this variant in disease. Therefore, it has been classified as a Variant of Uncertain Significance.